The following is an entry in ClinVar:

ClinVar aggregate classification (germline): Uncertain significance (1 of 4 stars; one submission).

Conditions:
Inborn genetic diseases. Identifiers: MedGen C0950123, MeSH D030342.

Submission:

Ambry Genetics
Classification: Uncertain significance for Inborn genetic diseases. Last evaluated: 2026-04-05. Review status: criteria provided, single submitter. Criteria: Ambry Variant Classification Scheme 2023. Collection method: clinical testing. Allele origin: germline.
Comment: The p.E527K variant (also known as c.1579G>A), located in coding exon 9 of the FANCM gene, results from a G to A substitution at nucleotide position 1579. The glutamic acid at codon 527 is replaced by lysine, an amino acid with similar properties. This amino acid position is conserved. In addition, this alteration is predicted to be tolerated by in silico analysis. Based on the available evidence, the clinical significance of this variant remains unclear.

NM_020937.4(FANCM):c.1579G>A (p.Glu527Lys)

Gene: FANCM (FA complementation group M; plus strand). Cytogenetic location: 14q21.2.
Variant type: single nucleotide variant.
Coding change: c.1579G>A on transcript NM_020937.4 (MANE Select); coding-DNA position 1579, G replaced by A.
Protein change: p.Glu527Lys; replaces glutamic acid 527 with lysine.
Molecular consequence: missense variant.
Genome position (GRCh38, 1-based): chr14:45,159,278, G>A. VCF-style: chr14-45159278-G-A. GRCh37 (hg19) VCF-style: chr14-45628481-G-A.
Other names: c.1501G>A, p.Glu501Lys (NM_001308133.2); c.1579G>A, p.Glu527Lys (NM_001308134.2); short protein forms E501K, E527K.
Identifiers: ClinVar variation 4871065 (VCV004871065.1).
Genomic context (GRCh38, chr14:45,159,278, plus strand): 5'-ACTTTTGTCGGCCATGCCTCAGGGAAAAGCACGAAGGGTTTTACCCAGAAGGAGCAACTG[G>A]AGGTAATTATTTTTGGAATTGATAAAAATAAAAATAAGATTGATTAGCTTTGCACTTGTT-3'
Protein context (NP_065988.1, residues 517-537): TKGFTQKEQL[Glu527Lys]VVKQFRDGGY